The following is an entry in ClinVar:

ClinVar aggregate classification (germline): Likely pathogenic (1 of 4 stars; one submission).

Submission:

Labcorp Genetics (formerly Invitae), Labcorp
Classification: Likely pathogenic. Last evaluated: 2024-03-05. Review status: criteria provided, single submitter. Criteria: Invitae Variant Classification Sherloc (09022015). Collection method: clinical testing. Allele origin: germline.
Comment: This sequence change affects an acceptor splice site in intron 17 of the RARS2 gene. It is expected to disrupt RNA splicing. Variants that disrupt the donor or acceptor splice site typically lead to a loss of protein function (PMID: 16199547), and loss-of-function variants in RARS2 are known to be pathogenic (PMID: 17847012, 22569581, 26083569). This variant is not present in population databases (gnomAD no frequency). This variant has not been reported in the literature in individuals affected with RARS2-related conditions. Algorithms developed to predict the effect of sequence changes on RNA splicing suggest that this variant may disrupt the consensus splice site. In summary, the currently available evidence indicates that the variant is pathogenic, but additional data are needed to prove that conclusively. Therefore, this variant has been classified as Likely Pathogenic.

Literature cited by the submitters: PubMed 16199547; PubMed 17847012; PubMed 22569581; PubMed 26083569.

NM_020320.5(RARS2):c.1512-2A>C

Gene: RARS2 (arginyl-tRNA synthetase 2, mitochondrial; minus strand). Cytogenetic location: 6q15.
Variant type: single nucleotide variant.
Coding change: c.1512-2A>C on transcript NM_020320.5 (MANE Select); the canonical splice acceptor site of the intron before coding-DNA position 1512, A replaced by C.
Molecular consequence: splice acceptor variant.
Genome position (GRCh38, 1-based): chr6:87,516,882, T>G on the plus strand (A>C on the coding strand, the complement: RARS2 is on the minus strand). VCF-style: chr6-87516882-T-G. GRCh37 (hg19) VCF-style: chr6-88226600-T-G.
Other names: c.1512-2A>C (NM_001350505.2); c.987-2A>C (NM_001350509.2, NM_001318785.2, NM_001350506.2 and 4 more transcripts).
Identifiers: ClinVar variation 3685638 (VCV003685638.2).